The following is an entry in ClinVar:

ClinVar aggregate classification (germline): Likely pathogenic (1 of 4 stars; one submission).

Allele frequency attached by ClinVar (database versions not stated): gnomAD exomes 0.00002.
gnomAD v4.1: 24 of 1,591,386 alleles (0.0015%); highest among the groups gnomAD compares: Non-Finnish European, 0.0021%; no homozygotes.

Submission:

Labcorp Genetics (formerly Invitae), Labcorp
Classification: Likely pathogenic. Last evaluated: 2023-07-07. Review status: criteria provided, single submitter. Criteria: Invitae Variant Classification Sherloc (09022015). Collection method: clinical testing. Allele origin: germline.
Comment: This variant has not been reported in the literature in individuals affected with CEP152-related conditions. This variant is present in population databases (no rsID available, gnomAD 0.001%). This sequence change affects an acceptor splice site in intron 21 of the CEP152 gene. It is expected to disrupt RNA splicing. Variants that disrupt the donor or acceptor splice site typically lead to a loss of protein function (PMID: 16199547), and loss-of-function variants in CEP152 are known to be pathogenic (PMID: 21131973). Algorithms developed to predict the effect of sequence changes on RNA splicing suggest that this variant may disrupt the consensus splice site. In summary, the currently available evidence indicates that the variant is pathogenic, but additional data are needed to prove that conclusively. Therefore, this variant has been classified as Likely Pathogenic.

Literature cited by the submitters: PubMed 16199547; PubMed 21131973.

NM_001194998.2(CEP152):c.3635-2A>G

Gene: CEP152 (centrosomal protein 152; minus strand). Cytogenetic location: 15q21.1.
Variant type: single nucleotide variant.
Coding change: c.3635-2A>G on transcript NM_001194998.2 (MANE Select); the canonical splice acceptor site of the intron before coding-DNA position 3635, A replaced by G.
Molecular consequence: splice acceptor variant.
Genome position (GRCh38, 1-based): chr15:48,744,994, T>C on the plus strand (A>G on the coding strand, the complement: CEP152 is on the minus strand). VCF-style: chr15-48744994-T-C. GRCh37 (hg19) VCF-style: chr15-49037191-T-C.
Other names: c.3467-2A>G (NM_014985.4).
Identifiers: ClinVar variation 2787229 (VCV002787229.3), dbSNP rs1192991504, ClinGen allele CA392338945.
Genomic context (GRCh38, chr15:48,744,994, plus strand): 5'-TTTATTCTTCATGTCGTTGTTTTCTTCTATTAATTCTTCAACAACTTTATTATTCTCTTC[T>C]ATAACAGAAAGTTTATAGTATATTAGACAGTTAAAAATTTTTTAAGCCTTCTTTTCCCTT-3'